The following is an entry in ClinVar:

NM_016252.4(BIRC6):c.9702C>T (p.Thr3234=)

Gene: BIRC6 (baculoviral IAP repeat containing 6; plus strand). Cytogenetic location: 2p22.3.
Variant type: single nucleotide variant.
Coding change: c.9702C>T on transcript NM_016252.4 (MANE Select); coding-DNA position 9702, C replaced by T.
Protein change: p.Thr3234=; no amino-acid change (threonine 3234 retained).
Molecular consequence: synonymous variant.
Genome position (GRCh38, 1-based): chr2:32,507,981, C>T. VCF-style: chr2-32507981-C-T. GRCh37 (hg19) VCF-style: chr2-32733048-C-T.
Other names: c.9699C>T, p.Thr3233= (NM_001378125.1).
Identifiers: ClinVar variation 3052611 (VCV003052611.2), dbSNP rs748470867, ClinGen allele CA1604615.

ClinVar aggregate classification (germline): Likely benign (0 of 4 stars; one submission).

Conditions:
BIRC6-related disorder. Also called: BIRC6-related condition.

Allele frequency attached by ClinVar (database versions not stated): gnomAD 0.00002; TOPMed 0.00002; gnomAD exomes 0.00003; ExAC 0.00004.
gnomAD v4.1: 47 of 1,610,944 alleles (0.0029%); highest among the groups gnomAD compares: Non-Finnish European, 0.0036%; no homozygotes.

Submission:

PreventionGenetics, part of Exact Sciences
Classification: Likely benign for BIRC6-related condition. Last evaluated: 2019-08-28. Review status: no assertion criteria provided. Collection method: clinical testing. Allele origin: germline.
Comment: This variant is classified as likely benign based on ACMG/AMP sequence variant interpretation guidelines (Richards et al. 2015 PMID: 25741868, with internal and published modifications).